The following is an entry in ClinVar:

NM_001378030.1(CCDC78):c.436-2A>G

Gene: CCDC78 (coiled-coil domain containing 78; minus strand). Cytogenetic location: 16p13.3.
Variant type: single nucleotide variant.
Coding change: c.436-2A>G on transcript NM_001378030.1 (MANE Select); the canonical splice acceptor site of the intron before coding-DNA position 436, A replaced by G.
Molecular consequence: splice acceptor variant.
Genome position (GRCh38, 1-based): chr16:725,295, T>C on the plus strand (A>G on the coding strand, the complement: CCDC78 is on the minus strand). VCF-style: chr16-725295-T-C. GRCh37 (hg19) VCF-style: chr16-775295-T-C.
Other names: c.-18-2A>G (NM_001378033.1); c.436-2A>G (NM_001378031.1, NM_001031737.3).
Identifiers: ClinVar variation 856401 (VCV000856401.9), dbSNP rs778608633, ClinGen allele CA7789593.

ClinVar aggregate classification (germline): Uncertain significance (1 of 4 stars; one submission).

Conditions:
Congenital myopathy with internal nuclei and atypical cores. Also called: Myopathy, centronuclear, 4. Identifiers: Orphanet 319160, MedGen C4707232, MONDO:0013890, OMIM 614807.

Allele frequency attached by ClinVar (database versions not stated): gnomAD exomes 0.00001; ExAC 0.00002.
gnomAD v4.1: 5 of 1,608,162 alleles (0.00031%); highest among the groups gnomAD compares: Admixed American, 0.005%; no homozygotes.

Submission:

Labcorp Genetics (formerly Invitae), Labcorp
Classification: Uncertain significance for Congenital myopathy with internal nuclei and atypical cores. Last evaluated: 2023-04-24. Review status: criteria provided, single submitter. Criteria: Invitae Variant Classification Sherloc (09022015). Collection method: clinical testing. Allele origin: germline.
Comment: Algorithms developed to predict the effect of sequence changes on RNA splicing suggest that this variant may disrupt the consensus splice site. ClinVar contains an entry for this variant (Variation ID: 856401). This variant has not been reported in the literature in individuals affected with CCDC78-related conditions. This variant is present in population databases (rs778608633, gnomAD 0.002%). This sequence change affects an acceptor splice site in intron 4 of the CCDC78 gene. It is expected to disrupt RNA splicing. Variants that disrupt the donor or acceptor splice site typically lead to a loss of protein function (PMID: 16199547), however the current clinical and genetic evidence is not sufficient to establish whether loss-of-function variants in CCDC78 cause disease. In summary, the available evidence is currently insufficient to determine the role of this variant in disease. Therefore, it has been classified as a Variant of Uncertain Significance.

Literature cited by the submitters: PubMed 16199547.